The following is an entry in ClinVar:

NM_000051.4(ATM):c.3994-2A>T

Gene: ATM (ATM serine/threonine kinase; plus strand). Cytogenetic location: 11q22.3.
Variant type: single nucleotide variant.
Coding change: c.3994-2A>T on transcript NM_000051.4 (MANE Select); the canonical splice acceptor site of the intron before coding-DNA position 3994, A replaced by T.
Molecular consequence: splice acceptor variant.
Genome position (GRCh38, 1-based): chr11:108,287,598, A>T. VCF-style: chr11-108287598-A-T. GRCh37 (hg19) VCF-style: chr11-108158325-A-T.
Other names: c.3994-2A>T (NM_001351834.2).
Identifiers: ClinVar variation 2573274 (VCV002573274.1), dbSNP rs587782276, ClinGen allele CA382527398.
Genomic context (GRCh38, chr11:108,287,598, plus strand): 5'-GAGCTGTCTTGACGTTCACAGATATAAAATATTAAATATATTTTAATTTTGTGCCCTTGC[A>T]GATTGATCACTTATTCATTAGTAATTTACCAGAGATTGTGGTGGAGTTATTGATGACGTT-3'

ClinVar aggregate classification (germline): Likely pathogenic (1 of 4 stars; one submission).

Conditions:
Familial cancer of breast. Also called: hereditary breast carcinoma; Hereditary breast cancer; BREAST CANCER, FAMILIAL. Identifiers: Orphanet 227535, MedGen C0346153, MONDO:0016419, OMIM 114480. Disease mechanism: loss of function.

gnomAD v4.1: 1 of 1,590,392 alleles (0.000063%); highest among the groups gnomAD compares: African/African-American, 0.0013%; no homozygotes.

Submission:

Myriad Genetics, Inc.
Classification: Likely pathogenic for Familial cancer of breast. Last evaluated: 2023-04-14. Review status: criteria provided, single submitter. Criteria: Myriad Autosomal Dominant, Autosomal Recessive and X-Linked Classification Criteria (2023). Collection method: clinical testing. Allele origin: unknown.
Comment: This variant is considered likely pathogenic. This variant occurs within a consensus splice junction and is predicted to result in abnormal mRNA splicing of either an out-of-frame exon or an in-frame exon necessary for protein stability and/or normal function.